The following is an entry in ClinVar:

ClinVar aggregate classification (germline): Uncertain significance (1 of 4 stars; one submission).

Conditions:
Cardiovascular phenotype. Identifiers: MedGen CN230736.

Submission:

Ambry Genetics
Classification: Uncertain significance for Cardiovascular phenotype. Last evaluated: 2019-08-12. Review status: criteria provided, single submitter. Criteria: Ambry Variant Classification Scheme 2023. Collection method: clinical testing. Allele origin: germline.
Comment: The p.A2119V variant (also known as c.6356C>T), located in coding exon 47 of the CACNA1C gene, results from a C to T substitution at nucleotide position 6356. The alanine at codon 2119 is replaced by valine, an amino acid with similar properties. This amino acid position is poorly conserved in available vertebrate species. In addition, this alteration is predicted to be tolerated by in silico analysis. Since supporting evidence is limited at this time, the clinical significance of this alteration remains unclear.

NM_000719.7(CACNA1C):c.6356C>T (p.Ala2119Val)

Genes: CACNA1C (calcium voltage-gated channel subunit alpha1 C; plus strand), CACNA1C-AS1 (CACNA1C antisense RNA 1; minus strand). Cytogenetic location: 12p13.33.
Variant type: single nucleotide variant.
Coding change: c.6356C>T on transcript NM_000719.7 (MANE Select); coding-DNA position 6356, C replaced by T.
Protein change: p.Ala2119Val; replaces alanine 2119 with valine.
Molecular consequence: missense variant. On other transcripts: non-coding transcript variant (1).
Genome position (GRCh38, 1-based): chr12:2,691,138, C>T. VCF-style: chr12-2691138-C-T. GRCh37 (hg19) VCF-style: chr12-2800304-C-T.
Other names: c.6500C>T, p.Ala2167Val (NM_001129827.2); c.6479C>T, p.Ala2160Val (NM_001129829.2); c.6461C>T, p.Ala2154Val (NM_001129830.3, NM_001167624.3); c.6440C>T, p.Ala2147Val (NM_001129831.2); c.6416C>T, p.Ala2139Val (NM_001129832.2); c.6413C>T, p.Ala2138Val (NM_001129833.2, NM_001129834.2, NM_001129835.2); c.6407C>T, p.Ala2136Val (NM_001129836.2); c.6380C>T, p.Ala2127Val (NM_001129837.2, NM_001129838.2); and 6 more; short protein forms A2154V, A2108V, A2127V, A2136V, A2167V, A2116V, A2138V, A2119V.
Identifiers: ClinVar variation 1753023 (VCV001753023.2), dbSNP rs1174127261, ClinGen allele CA383387569.